The following is an entry in ClinVar:

ClinVar aggregate classification (germline): Uncertain significance. Review status: criteria provided, multiple submitters, no conflicts (2 of 4 stars). 2 submissions from 2 submitters: Uncertain significance (2). Last evaluated 2026-01-06.

Conditions:
Inborn genetic diseases. Identifiers: MedGen C0950123, MeSH D030342.

Allele frequency attached by ClinVar (database versions not stated): gnomAD exomes 0.00002; TOPMed 0.00003; ExAC 0.00004; gnomAD 0.00004; ESP Exome Variant Server 0.00008.

Submissions (2):

Labcorp Genetics (formerly Invitae), Labcorp
Classification: Uncertain significance. Last evaluated: 2026-01-06. Review status: criteria provided, single submitter. Criteria: Invitae Variant Classification Sherloc (09022015). Collection method: clinical testing. Allele origin: germline.
Comment: This sequence change replaces histidine, which is basic and polar, with arginine, which is basic and polar, at codon 685 of the ERCC6L2 protein (p.His685Arg). This variant is present in population databases (rs374654068, gnomAD 0.04%). This variant has not been reported in the literature in individuals affected with ERCC6L2-related conditions. ClinVar contains an entry for this variant (Variation ID: 1470168). Experimental studies and prediction algorithms are not available or were not evaluated, and the functional significance of this variant is currently unknown. In summary, the available evidence is currently insufficient to determine the role of this variant in disease. Therefore, it has been classified as a Variant of Uncertain Significance.

Ambry Genetics
Classification: Uncertain significance for Inborn genetic diseases. Last evaluated: 2024-12-01. Review status: criteria provided, single submitter. Criteria: Ambry Variant Classification Scheme 2023. Collection method: clinical testing. Allele origin: germline.
Comment: The p.H674R variant (also known as c.2021A>G), located in coding exon 14 of the ERCC6L2 gene, results from an A to G substitution at nucleotide position 2021. The histidine at codon 674 is replaced by arginine, an amino acid with highly similar properties. This amino acid position is conserved. In addition, this alteration is predicted to be deleterious by in silico analysis. Based on the available evidence, the clinical significance of this variant remains unclear.

NM_020207.7(ERCC6L2):c.2021A>G (p.His674Arg)

Gene: ERCC6L2 (ERCC excision repair 6 like 2; plus strand). Cytogenetic location: 9q22.32.
Variant type: single nucleotide variant.
Coding change: c.2021A>G on transcript NM_020207.7 (MANE Select); coding-DNA position 2021, A replaced by G.
Protein change: p.His674Arg; replaces histidine 674 with arginine.
Molecular consequence: missense variant. On other transcripts: non-coding transcript variant (1).
Genome position (GRCh38, 1-based): chr9:95,966,635, A>G. VCF-style: chr9-95966635-A-G. GRCh37 (hg19) VCF-style: chr9-98728917-A-G.
Other names: c.2021A>G, p.His674Arg (NM_001010895.4, NM_001375291.1, NM_001375292.1 and 2 more transcripts); short protein forms H674R.
Identifiers: ClinVar variation 1470168 (VCV001470168.6), dbSNP rs374654068, ClinGen allele CA5139782.